The following is an entry in ClinVar:

ClinVar aggregate classification (germline): Uncertain significance. Review status: criteria provided, multiple submitters, no conflicts (2 of 4 stars). 2 submissions from 2 submitters: Uncertain significance (2). Last evaluated 2023-07-12.

Conditions:
Inborn genetic diseases. Identifiers: MedGen C0950123, MeSH D030342.

Allele frequency attached by ClinVar (database versions not stated): gnomAD exomes 0.00002; TOPMed 0.00003; gnomAD 0.00005; ExAC 0.00008; ESP Exome Variant Server 0.00008.
gnomAD v4.1: 39 of 1,613,794 alleles (0.0024%); highest among the groups gnomAD compares: East Asian, 0.029%; no homozygotes.

Submissions (2):

Ambry Genetics
Classification: Uncertain significance for Inborn genetic diseases. Last evaluated: 2023-07-12. Review status: criteria provided, single submitter. Criteria: Ambry Variant Classification Scheme 2023. Collection method: clinical testing. Allele origin: germline.

Labcorp Genetics (formerly Invitae), Labcorp
Classification: Uncertain significance. Last evaluated: 2022-07-12. Review status: criteria provided, single submitter. Criteria: Invitae Variant Classification Sherloc (09022015). Collection method: clinical testing. Allele origin: germline.
Comment: This sequence change replaces arginine with tryptophan at codon 302 of the ADAMTS17 protein (p.Arg302Trp). The arginine residue is moderately conserved and there is a moderate physicochemical difference between arginine and tryptophan. This variant is present in population databases (rs376171966, gnomAD 0.06%). This variant has not been reported in the literature in individuals affected with ADAMTS17-related conditions. Algorithms developed to predict the effect of missense changes on protein structure and function are either unavailable or do not agree on the potential impact of this missense change (SIFT: "Not Available"; PolyPhen-2: "Possibly Damaging"; Align-GVGD: "Not Available"). In summary, the available evidence is currently insufficient to determine the role of this variant in disease. Therefore, it has been classified as a Variant of Uncertain Significance.

NM_139057.4(ADAMTS17):c.904C>T (p.Arg302Trp)

Gene: ADAMTS17 (ADAM metallopeptidase with thrombospondin type 1 motif 17; minus strand). Cytogenetic location: 15q26.3.
Variant type: single nucleotide variant.
Coding change: c.904C>T on transcript NM_139057.4 (MANE Select); coding-DNA position 904, C replaced by T.
Protein change: p.Arg302Trp; replaces arginine 302 with tryptophan.
Molecular consequence: missense variant.
Genome position (GRCh38, 1-based): chr15:100,261,606, G>A on the plus strand (C>T on the coding strand, the complement: ADAMTS17 is on the minus strand). VCF-style: chr15-100261606-G-A. GRCh37 (hg19) VCF-style: chr15-100801811-G-A.
Other names: c.904C>T (NM_139057.2); short protein forms R302W.
Identifiers: ClinVar variation 1921866 (VCV001921866.4), dbSNP rs376171966, ClinGen allele CA7758487.